The following is an entry in ClinVar:

NM_000321.3(RB1):c.1573del (p.Ala525fs)

Gene: RB1 (RB transcriptional corepressor 1; plus strand). Cytogenetic location: 13q14.2.
Variant type: Deletion.
Coding change: c.1573del on transcript NM_000321.3 (MANE Select); coding-DNA position 1573, one base deleted (G; older notation c.1573delG).
Protein change: p.Ala525fs; shifts the reading frame from alanine 525.
Molecular consequence: frameshift variant.
Genome position (GRCh38, 1-based): chr13:48,381,321, G deleted. VCF-style (leftmost placement, unchanged base first): chr13-48381320-AG-A. GRCh37 (hg19) VCF-style: chr13-48955456-AG-A.
Other names: c.1573del, p.Ala525fs (NM_001407165.1, NM_001407166.1); short protein forms A525fs.
Identifiers: ClinVar variation 3237010 (VCV003237010.1), dbSNP rs2542206679.

ClinVar aggregate classification (germline): Pathogenic (1 of 4 stars; one submission).

Conditions:
Retinoblastoma (RB1). Also called: RETINOBLASTOMA, SOMATIC. Identifiers: Orphanet 790, MedGen C0035335, MeSH D012175, MONDO:0008380, OMIM 180200, HP:0009919. Disease mechanism: loss of function. Inheritance: Both sporadic and heritable forms are tested..

Submission:

Genetic Diagnostic Laboratory, University of Pennsylvania School of Medicine
Classification: Pathogenic for Retinoblastoma. Last evaluated: 2024-05-20. Review status: criteria provided, single submitter. Criteria: ACMG Guidelines, 2015. Collection method: clinical testing. Allele origin: germline. Affected: yes. Observed: 1 variant allele.
Comment: Case and Pedigree Information: BILATERAL CASES:1, UNILATERAL CASES:0, TOTAL CASES:1, PEDIGREES:1. ACMG Codes Applied:PVS1, PM2